The following is an entry in ClinVar:

NM_032588.4(TRIM63):c.390C>G (p.Ile130Met)

Gene: TRIM63 (tripartite motif containing 63; minus strand). Cytogenetic location: 1p36.11.
Variant type: single nucleotide variant.
Coding change: c.390C>G on transcript NM_032588.4 (MANE Select); coding-DNA position 390, C replaced by G.
Protein change: p.Ile130Met; replaces isoleucine 130 with methionine.
Molecular consequence: missense variant.
Genome position (GRCh38, 1-based): chr1:26,061,277, G>C on the plus strand (C>G on the coding strand, the complement: TRIM63 is on the minus strand). VCF-style: chr1-26061277-G-C. GRCh37 (hg19) VCF-style: chr1-26387768-G-C.
Other names: p.Ile130Met; short protein forms I130M.
Identifiers: ClinVar variation 978746 (VCV000978746.3), dbSNP rs377334933, ClinGen allele CA699682.

ClinVar aggregate classification (germline): Conflicting classifications of pathogenicity. Review status: criteria provided, conflicting classifications (1 of 4 stars). 4 submissions from 4 submitters: Pathogenic (1); Uncertain significance (3). Last evaluated 2026-10-24.

Conditions:
Hypertrophic cardiomyopathy. Also called: HYPERTROPHIC MYOCARDIOPATHY. Identifiers: Orphanet 217569, MedGen C0007194, MeSH D002312, MONDO:0005045, HP:0001639.
Cardiomyopathy, familial hypertrophic, 31. Identifiers: MedGen C6012754, MONDO:0979573, OMIM 621270.
Cardiovascular phenotype. Identifiers: MedGen CN230736.

Allele frequency attached by ClinVar (database versions not stated): TOPMed 0.00005; ESP Exome Variant Server 0.00008; ExAC 0.00007; gnomAD 0.00003 and 0.00004; gnomAD exomes 0.00005.
gnomAD v4.1: 97 of 1,614,200 alleles (0.006%); highest among the groups gnomAD compares: Middle Eastern, 0.26%; 1 homozygote.

Submissions (4):

Department of Molecular Genetics, Istishari Arab Hospital
Classification: Uncertain significance for Cardiomyopathy, familial hypertrophic, 31. Last evaluated: 2026-10-24. Review status: criteria provided, single submitter. Criteria: ACMG Guidelines, 2015. Collection method: clinical testing. Allele origin: germline. Inheritance: Autosomal recessive inheritance. Affected: yes.
Comment: The TRIM63 c.390C>G variant is a missense change predicted to substitute isoleucine with methionine at codon 130, p.(Ile130Met), in exon 3 of 9. It is present at a very low frequency in gnomAD v4.1, with no homozygotes reported. The variant has been reported in individuals with hypertrophic cardiomyopathy (PMIDs: 22821932, 34137518) and as a de novo finding in an individual with congenital heart disease (PMID: 32368696). However, the available case and segregation evidence is insufficient to establish causality. Functional studies demonstrated impaired TRIM63 auto-ubiquitination and reduced E3 ubiquitin-ligase activity (PMID: 22821932), but these findings alone are insufficient to establish pathogenicity. It is classified as a variant of uncertain significance according to the recommendations of ACMG/AMP/ClinGen SVI guidelines.

Molecular Diagnostic Laboratory for Inherited Cardiovascular Disease, Montreal Heart Institute
Classification: Uncertain significance for Cardiovascular phenotype. Last evaluated: 2026-09-21. Review status: criteria provided, single submitter. Criteria: ACMG Guidelines, 2015. Collection method: clinical testing. Allele origin: germline. Affected: yes.
Comment: PS3_supp

Women's Health and Genetics/Laboratory Corporation of America, LabCorp
Classification: Uncertain significance. Last evaluated: 2023-08-15. Review status: criteria provided, single submitter. Criteria: LabCorp Variant Classification Summary - May 2015. Collection method: clinical testing. Allele origin: germline.
Comment: Variant summary: TRIM63 c.390C>G (p.Ile130Met) results in a conservative amino acid change located in the B-box-type zinc finger domain (IPR000315) of the encoded protein sequence. Three of five in-silico tools predict a damaging effect of the variant on protein function. The variant allele was found at a frequency of 4.8e-05 in 251444 control chromosomes (gnomAD). This frequency is not significantly higher than estimated for a pathogenic variant in TRIM63 causing Hypertrophic Cardiomyopathy (4.8e-05 vs 0.005), allowing no conclusion about variant significance. c.390C>G has been reported in the literature in individuals affected with Hypertrophic Cardiomyopathy (Chen_2012, Al-Shafai_2021) without evidence of segregation, and was found as a de novo occurrence in an individual with Congenital Heart Disease (Edwards_2020). These data do not allow any conclusion about variant significance. Experimentally, the variant was found impacting ubiquitination in transduced HeLa cells, with the most pronounced variant effect resulting in 30%-40% of normal activity (Chen_2012). The following publications have been ascertained in the context of this evaluation (PMID: 34137518, 22821932, 32368696). No submitters have cited clinical-significance assessments for this variant to ClinVar after 2014. Based on the evidence outlined above, the variant was classified as VUS-possibly pathogenic.

Genetics and Genomics Program, Sidra Medicine
Classification: Pathogenic for Hypertrophic cardiomyopathy. Review status: criteria provided, single submitter. Criteria: ACMG Guidelines, 2015. Collection method: research. Allele origin: unknown. Affected: yes. Observed: 1 variant allele.

Literature cited by the submitters: PubMed 22821932 (cited by Department of Molecular Genetics, Istishari Arab Hospital and Women's Health and Genetics/Laboratory Corporation of America, LabCorp); PubMed 34137518 (cited by Department of Molecular Genetics, Istishari Arab Hospital and Women's Health and Genetics/Laboratory Corporation of America, LabCorp); PubMed 32368696 (cited by Department of Molecular Genetics, Istishari Arab Hospital and Women's Health and Genetics/Laboratory Corporation of America, LabCorp).